The following is an entry in ClinVar:

ClinVar aggregate classification (germline): Uncertain significance (1 of 4 stars; one submission).

Allele frequency attached by ClinVar (database versions not stated): gnomAD 0.00002; ExAC 0.00004; TOPMed 0.00004; ESP Exome Variant Server 0.00008.
gnomAD v4.1: 45 of 1,608,082 alleles (0.0028%); highest among the groups gnomAD compares: Non-Finnish European, 0.0037%; no homozygotes.

Submission:

Mayo Clinic Laboratories, Mayo Clinic
Classification: Uncertain significance. Last evaluated: 2022-04-15. Review status: criteria provided, single submitter. Criteria: ACMG Guidelines, 2015. Collection method: clinical testing. Allele origin: germline. Observed: 1 variant allele.
Comment: BP4, PM2

NM_198569.3(ADGRG6):c.1518G>T (p.Glu506Asp)

Gene: ADGRG6 (adhesion G protein-coupled receptor G6; plus strand). Cytogenetic location: 6q24.2.
Variant type: single nucleotide variant.
Coding change: c.1518G>T on transcript NM_198569.3 (MANE Select); coding-DNA position 1518, G replaced by T.
Protein change: p.Glu506Asp; replaces glutamic acid 506 with aspartic acid.
Molecular consequence: missense variant.
Genome position (GRCh38, 1-based): chr6:142,397,706, G>T. VCF-style: chr6-142397706-G-T. GRCh37 (hg19) VCF-style: chr6-142718843-G-T.
Other names: p.Glu506Asp; c.1434G>T, p.Glu478Asp (NM_001032394.3, NM_001032395.3); c.1518G>T, p.Glu506Asp (NM_020455.6); short protein forms E478D, E506D.
Identifiers: ClinVar variation 2682956 (VCV002682956.1), dbSNP rs372053605, ClinGen allele CA4026931.